The following is an entry in ClinVar:

NM_000100.4(CSTB):c.174C>T (p.His58=)

Gene: CSTB (cystatin B; minus strand). Cytogenetic location: 21q22.3.
Variant type: single nucleotide variant.
Coding change: c.174C>T on transcript NM_000100.4 (MANE Select); coding-DNA position 174, C replaced by T.
Protein change: p.His58=; no amino-acid change (histidine 58 retained).
Molecular consequence: synonymous variant.
Genome position (GRCh38, 1-based): chr21:43,774,325, G>A on the plus strand (C>T on the coding strand, the complement: CSTB is on the minus strand). VCF-style: chr21-43774325-G-A. GRCh37 (hg19) VCF-style: chr21-45194206-G-A.
Identifiers: ClinVar variation 507395 (VCV000507395.13), dbSNP rs763095750, ClinGen allele CA10048885.

ClinVar aggregate classification (germline): Likely benign. Review status: criteria provided, multiple submitters, no conflicts (2 of 4 stars). 3 submissions from 3 submitters: Likely benign (3). Last evaluated 2023-10-16.

Conditions:
Progressive myoclonic epilepsy. Also called: Familial progressive myoclonic epilepsy; Progressive myoclonus epilepsy; Myoclonic Epilepsies, Progressive; Myoclonus epilepsy. Identifiers: Orphanet 308, Orphanet 98261, MedGen C0751778, MONDO:0020074.
Inborn genetic diseases. Identifiers: MedGen C0950123, MeSH D030342.

Allele frequency attached by ClinVar (database versions not stated): gnomAD exomes 0.00001; TOPMed 0.00001; ExAC 0.00001; gnomAD 0.00001.
gnomAD v4.1: 15 of 1,614,060 alleles (0.00093%); highest among the groups gnomAD compares: East Asian, 0.0045%; no homozygotes.

Submissions (3):

Labcorp Genetics (formerly Invitae), Labcorp
Classification: Likely benign for Progressive myoclonic epilepsy. Last evaluated: 2023-10-16. Review status: criteria provided, single submitter. Criteria: Invitae Variant Classification Sherloc (09022015). Collection method: clinical testing. Allele origin: germline.

Ambry Genetics
Classification: Likely benign for Inborn genetic diseases. Last evaluated: 2018-10-11. Review status: criteria provided, single submitter. Criteria: Ambry Variant Classification Scheme 2023. Collection method: clinical testing. Allele origin: germline.

GeneDx
Classification: Likely benign. Last evaluated: 2017-02-20. Review status: criteria provided, single submitter. Criteria: GeneDx Variant Classification (06012015). Collection method: clinical testing. Allele origin: germline. Affected: yes.
Comment: This variant is considered likely benign or benign based on one or more of the following criteria: it is a conservative change, it occurs at a poorly conserved position in the protein, it is predicted to be benign by multiple in silico algorithms, and/or has population frequency not consistent with disease.